The following is an entry in ClinVar:

ClinVar aggregate classification (germline): Uncertain significance. Review status: criteria provided, multiple submitters, no conflicts (2 of 4 stars). 3 submissions from 3 submitters: Uncertain significance (3). Last evaluated 2024-10-17.

Conditions:
Inborn genetic diseases. Identifiers: MedGen C0950123, MeSH D030342.

Allele frequency attached by ClinVar (database versions not stated): TOPMed below 0.00001; gnomAD 0.00003; gnomAD exomes 0.00005; ExAC 0.00010; 1000 Genomes Project 30x 0.00031; 1000 Genomes Project 0.00040.
gnomAD v4.1: 80 of 1,591,560 alleles (0.005%); highest among the groups gnomAD compares: South Asian, 0.085%; 1 homozygote.

Submissions (3):

Labcorp Genetics (formerly Invitae), Labcorp
Classification: Uncertain significance. Last evaluated: 2024-10-17. Review status: criteria provided, single submitter. Criteria: Invitae Variant Classification Sherloc (09022015). Collection method: clinical testing. Allele origin: germline.
Comment: This sequence change replaces proline, which is neutral and non-polar, with leucine, which is neutral and non-polar, at codon 40 of the BMP1 protein (p.Pro40Leu). This variant is present in population databases (rs561644531, gnomAD 0.06%). This variant has not been reported in the literature in individuals affected with BMP1-related conditions. ClinVar contains an entry for this variant (Variation ID: 2207043). An algorithm developed to predict the effect of missense changes on protein structure and function outputs the following: PolyPhen-2: "Benign". The leucine amino acid residue is found in multiple mammalian species, which suggests that this missense change does not adversely affect protein function. In summary, the available evidence is currently insufficient to determine the role of this variant in disease. Therefore, it has been classified as a Variant of Uncertain Significance.

Blueprint Genetics
Classification: Uncertain significance. Last evaluated: 2023-07-04. Review status: criteria provided, single submitter. Criteria: ACMG Guidelines, 2015. Collection method: clinical testing. Allele origin: germline.

Ambry Genetics
Classification: Uncertain significance for Inborn genetic diseases. Last evaluated: 2021-08-12. Review status: criteria provided, single submitter. Criteria: Ambry Variant Classification Scheme 2023. Collection method: clinical testing. Allele origin: germline.

NM_006129.5(BMP1):c.119C>T (p.Pro40Leu)

Genes: BMP1 (bone morphogenetic protein 1; plus strand), LOC129999976 (ATAC-STARR-seq lymphoblastoid silent region 18982; plus strand). Cytogenetic location: 8p21.3.
Variant type: single nucleotide variant.
Coding change: c.119C>T on transcript NM_006129.5 (MANE Select); coding-DNA position 119, C replaced by T.
Protein change: p.Pro40Leu; replaces proline 40 with leucine.
Molecular consequence: missense variant. On other transcripts: non-coding transcript variant (2).
Genome position (GRCh38, 1-based): chr8:22,165,524, C>T. VCF-style: chr8-22165524-C-T. GRCh37 (hg19) VCF-style: chr8-22023037-C-T.
Other names: c.119C>T, p.Pro40Leu (NM_001199.4); short protein forms P40L.
Identifiers: ClinVar variation 2207043 (VCV002207043.5), dbSNP rs561644531, ClinGen allele CA4664151.